The following is an entry in ClinVar:

NM_173076.3(ABCA12):c.1122_1125dup (p.Pro376fs)

Gene: ABCA12 (ATP binding cassette subfamily A member 12; minus strand). Cytogenetic location: 2q35.
Variant type: Duplication.
Coding change: c.1122_1125dup on transcript NM_173076.3 (MANE Select); coding-DNA positions 1122 to 1125, 4 bases duplicated (TATT; older notation c.1122_1125dupTATT).
Protein change: p.Pro376fs; shifts the reading frame from proline 376.
Molecular consequence: frameshift variant. On other transcripts: non-coding transcript variant (1).
Genome position (GRCh38, 1-based): chr2:215,026,875-215,026,878, AATA duplicated on the plus strand (TATT on the coding strand, the reverse complement: ABCA12 is on the minus strand). VCF-style (leftmost placement, unchanged base first): chr2-215026874-G-GAATA. GRCh37 (hg19) VCF-style: chr2-215891598-G-GAATA.
Other names: c.168_171dup, p.Pro58fs (NM_015657.4); short protein forms P58fs, P376fs.
Identifiers: ClinVar variation 3017794 (VCV003017794.3), dbSNP rs2469361028, ClinGen allele CA2662983471.
Genomic context (GRCh38, chr2:215,026,874, plus strand): 5'-TATTACCTGGTGAACCTCTGGCCAAACTGTCAGTCACATTTCTCACACATGCCAAGTAAG[G>GAATA]AATATAAGGACTATTTGCTGATATATTTAAGAGGGCATCTTCAAAGTTTTCCAGAATTAG-3'

ClinVar aggregate classification (germline): Pathogenic (1 of 4 stars; one submission).

Allele frequency attached by ClinVar (database versions not stated): gnomAD exomes below 0.00001.

Submission:

Labcorp Genetics (formerly Invitae), Labcorp
Classification: Pathogenic. Last evaluated: 2023-09-08. Review status: criteria provided, single submitter. Criteria: Invitae Variant Classification Sherloc (09022015). Collection method: clinical testing. Allele origin: germline.
Comment: For these reasons, this variant has been classified as Pathogenic. This variant has not been reported in the literature in individuals affected with ABCA12-related conditions. This variant is not present in population databases (gnomAD no frequency). This sequence change creates a premature translational stop signal (p.Pro376Tyrfs*12) in the ABCA12 gene. It is expected to result in an absent or disrupted protein product. Loss-of-function variants in ABCA12 are known to be pathogenic (PMID: 20672373).

Literature cited by the submitters: PubMed 20672373.